The following is an entry in ClinVar:

ClinVar aggregate classification (germline): Pathogenic. Review status: criteria provided, multiple submitters, no conflicts (2 of 4 stars). 2 submissions from 2 submitters: Pathogenic (2). Last evaluated 2023-08-04.

Conditions:
Developmental and epileptic encephalopathy, 1 (DEE1). Also called: X-linked infantile spasms; West's syndrome; Tonic spasms with clustering, arrest of psychomotor development and hypsarrhythmia on EEG; X-Linked Infantile Spasm Syndrome; INFANTILE SPASM SYNDROME, X-LINKED 1; OHTAHARA SYNDROME, X-LINKED. Identifiers: MedGen C3463992, MONDO:0010632, OMIM 308350. Disease mechanism: loss of function.

Submissions (2):

3billion
Classification: Pathogenic for Developmental and epileptic encephalopathy, 1. Last evaluated: 2023-08-04. Review status: criteria provided, single submitter. Criteria: ACMG Guidelines, 2015. Collection method: clinical testing. Allele origin: germline. Affected: yes.
Comment: The variant is not observed in the gnomAD v2.1.1 dataset. Predicted Consequence/Location: Frameshift: predicted to result in a loss or disruption of normal protein function through protein truncation. The predicted truncated protein may be shortened by more than 10%. Multiple pathogenic variants are reported downstream of the variant. The variant has been previously reported as de novo in a similarly affected individual (PMID: 35231114). The variant has been reported to be associated with ARX related disorder (ClinVar ID: VCV001299655 /PMID: 35231114). Therefore, this variant is classified as Pathogenic according to the recommendation of ACMG/AMP guideline.

Laboratory of Medical Genetics, National & Kapodistrian University of Athens
Classification: Pathogenic for Developmental and epileptic encephalopathy, 1. Last evaluated: 2021-10-01. Review status: criteria provided, single submitter. Criteria: ACMG Guidelines, 2015. Collection method: clinical testing. Allele origin: unknown. Affected: yes.
Comment: PVS1, PM2, PP3

Literature cited by the submitters: PubMed 35231114 (cited by 3billion).

NM_139058.3(ARX):c.1472del (p.Leu491fs)

Gene: ARX (aristaless related homeobox; minus strand). Cytogenetic location: Xp21.3.
Variant type: Deletion.
Coding change: c.1472del on transcript NM_139058.3 (MANE Select); coding-DNA position 1472, one base deleted (T; older notation c.1472delT).
Protein change: p.Leu491fs; shifts the reading frame from leucine 491.
Molecular consequence: frameshift variant.
Genome position (GRCh38, 1-based): chrX:25,004,887, A deleted on the plus strand (T on the coding strand, the reverse complement: ARX is on the minus strand). VCF-style (leftmost placement, unchanged base first): chrX-25004886-CA-C. GRCh37 (hg19) VCF-style: chrX-25023003-CA-C.
Other names: c.1472delT (NM_139058.3); short protein forms L491fs.
Identifiers: ClinVar variation 1299655 (VCV001299655.2), dbSNP rs2147318790, ClinGen allele CA2499226599.